The following is an entry in ClinVar:

ClinVar aggregate classification (germline): Conflicting classifications of pathogenicity. Review status: criteria provided, conflicting classifications (1 of 4 stars). 10 submissions from 10 submitters: Uncertain significance (3); Benign (2); Likely benign (5). Last evaluated 2026-03-18.

Conditions:
TTN-related disorder. Also called: TTN-related condition; TTN-related disease; TTN-related disorders.
Dilated cardiomyopathy 1G (CMD1G). Identifiers: Orphanet 154, MedGen C1858763, MONDO:0011400, OMIM 604145.
Autosomal recessive limb-girdle muscular dystrophy type 2J (LGMDR10). Also called: Limb-girdle muscular dystrophy, type 2J; MUSCULAR DYSTROPHY, LIMB-GIRDLE, AUTOSOMAL RECESSIVE 10. Identifiers: Orphanet 140922, MedGen C1837342, MONDO:0012127, OMIM 608807.
Cardiovascular phenotype. Identifiers: MedGen CN230736.
Cardiomyopathy (CMYO). Also called: Cardiomyopathies. Identifiers: Orphanet 167848, MedGen C0878544, MONDO:0004994, HP:0001638. Inheritance: Various modes of inheritance.

Allele frequency attached by ClinVar (database versions not stated): 1000 Genomes Project 30x 0.00016; ExAC 0.00017; 1000 Genomes Project 0.00020; gnomAD 0.00035 and 0.00037; TOPMed 0.00043; ESP Exome Variant Server 0.00048.
gnomAD v4.1: 152 of 1,613,818 alleles (0.0094%); highest among the groups gnomAD compares: African/African-American, 0.15%; no homozygotes.

Submissions (10):

PreventionGenetics, part of Exact Sciences
Classification: Uncertain significance for TTN-related condition. Last evaluated: 2026-03-18. Review status: criteria provided, single submitter. Criteria: ACMG Guidelines, 2015. Collection method: clinical testing. Allele origin: germline.
Comment: The TTN c.98500G>A variant is predicted to result in the amino acid substitution p.Glu32834Lys. This variant has been reported in a cohort of individuals with dilated cardiomyopathy (described as p.Glu23961Lys with the transcript NM_133437 in Table S6, Haas et al. 2015. PubMed ID: 25163546). This variant is reported in 0.15% of alleles in individuals of African descent in gnomAD. Although we suspect that this variant may be benign, at this time, the clinical significance of this variant is uncertain due to the absence of conclusive functional and genetic evidence.

Labcorp Genetics (formerly Invitae), Labcorp
Classification: Likely benign for Dilated cardiomyopathy 1G; Autosomal recessive limb-girdle muscular dystrophy type 2J. Last evaluated: 2026-01-20. Review status: criteria provided, single submitter. Criteria: Invitae Variant Classification Sherloc (09022015). Collection method: clinical testing. Allele origin: germline.

Women's Health and Genetics/Laboratory Corporation of America, LabCorp
Classification: Likely benign. Last evaluated: 2025-12-01. Review status: criteria provided, single submitter. Criteria: LabCorp Variant Classification Summary - May 2015. Collection method: clinical testing. Allele origin: germline.
Comment: Variant summary: TTN c.90796G>A (p.Glu30266Lys) results in a conservative amino acid change in the encoded protein sequence. Algorithms developed to predict the effect of missense changes on protein structure and function are either unavailable or do not agree on the potential impact of this missense change. The variant allele was found at a frequency of 0.00013 in 248754 control chromosomes, predominantly at a frequency of 0.0016 within the African or African-American subpopulation in the gnomAD database. The observed variant frequency within African or African-American control individuals in the gnomAD database exceeds the estimated maximal expected allele frequency for disease-causing variants in TTN. c.90796G>A has been observed in individual(s) affected with Dilated Cardiomyopathy (e.g. Haas_2015). These report(s) do not provide unequivocal conclusions about association of the variant with Dilated Cardiomyopathy. To our knowledge, no experimental evidence demonstrating an impact on protein function has been reported. The following publication has been ascertained in the context of this evaluation (PMID: 25163546). ClinVar contains an entry for this variant (Variation ID: 192139). Based on the evidence outlined above, the variant was classified as likely benign.

Molecular Diagnostic Laboratory for Inherited Cardiovascular Disease, Montreal Heart Institute
Classification: Likely benign. Last evaluated: 2025-04-09. Review status: criteria provided, single submitter. Criteria: ACMG Guidelines, 2015. Collection method: clinical testing. Allele origin: germline. Affected: no.

Revvity Omics, Revvity
Classification: Uncertain significance. Last evaluated: 2024-11-27. Review status: criteria provided, single submitter. Criteria: ACMG Guidelines, 2015. Collection method: clinical testing. Allele origin: germline.

GeneDx
Classification: Likely benign. Last evaluated: 2021-06-16. Review status: criteria provided, single submitter. Criteria: GeneDx Variant Classification Process June 2021. Collection method: clinical testing. Allele origin: germline. Affected: yes.
Comment: This variant is associated with the following publications: (PMID: 25163546)

CHEO Genetics Diagnostic Laboratory, Children's Hospital of Eastern Ontario
Classification: Benign for Cardiomyopathy. Last evaluated: 2020-12-08. Review status: criteria provided, single submitter. Criteria: ACMG Guidelines, 2015. Collection method: clinical testing. Allele origin: germline.

Ambry Genetics
Classification: Benign for Cardiovascular phenotype. Last evaluated: 2020-05-28. Review status: criteria provided, single submitter. Criteria: Ambry Variant Classification Scheme 2023. Collection method: clinical testing. Allele origin: germline.

Eurofins Ntd Llc (ga)
Classification: Uncertain significance. Last evaluated: 2017-05-24. Review status: criteria provided, single submitter. Criteria: EGL Classification Definitions 2015. Collection method: clinical testing. Allele origin: germline. Observed: 2 variant alleles, 2 heterozygotes.

Biesecker Lab/Clinical Genomics Section, National Institutes of Health
Classification: Likely benign. Last evaluated: 2013-06-24. Review status: criteria provided, single submitter. Criteria: Ng et al. (Circ Cardiovasc Genet. 2013). Collection method: research. Allele origin: unknown. Observed: 1 variant allele. Study: ClinSeq.
Comment: The study set was not selected for affection status in relation to any cancer. Pathogenicity categories were based on literature curation. See Pubmed ID:23861362 for details.

Medical sequencing

Literature cited by the submitters: PubMed 25163546 (cited by Women's Health and Genetics/Laboratory Corporation of America, LabCorp and Ambry Genetics); PubMed 23861362 (cited by Ambry Genetics).

NM_001267550.2(TTN):c.98500G>A (p.Glu32834Lys)

Genes: TTN (titin; minus strand), TTN-AS1 (TTN antisense RNA 1; plus strand). Cytogenetic location: 2q31.2.
Variant type: single nucleotide variant.
Coding change: c.98500G>A on transcript NM_001267550.2 (MANE Select); coding-DNA position 98500, G replaced by A.
Protein change: p.Glu32834Lys; replaces glutamic acid 32834 with lysine.
Molecular consequence: missense variant. On other transcripts: non-coding transcript variant (1).
Genome position (GRCh38, 1-based): chr2:178,539,565, C>T on the plus strand (G>A on the coding strand, the complement: TTN is on the minus strand). VCF-style: chr2-178539565-C-T. GRCh37 (hg19) VCF-style: chr2-179404292-C-T.
Other names: c.93577G>A, p.Glu31193Lys (NM_001256850.1); c.71305G>A, p.Glu23769Lys (NM_003319.4); c.90796G>A, p.Glu30266Lys (NM_133378.4); c.71680G>A, p.Glu23894Lys (NM_133432.3); c.71881G>A, p.Glu23961Lys (NM_133437.4); short protein forms E30266K, E32834K, E23769K, E23894K, E23961K, E31193K.
Identifiers: ClinVar variation 192139 (VCV000192139.28), dbSNP rs199761901, ClinGen allele CA238450.